The following is an entry in ClinVar:

ClinVar aggregate classification (germline): Uncertain significance (1 of 4 stars; one submission).

Allele frequency attached by ClinVar (database versions not stated): gnomAD exomes below 0.00001; TOPMed below 0.00001.
gnomAD v4.1: 4 of 1,613,344 alleles (0.00025%); highest among the groups gnomAD compares: African/African-American, 0.0013%; no homozygotes.

Submission:

Labcorp Genetics (formerly Invitae), Labcorp
Classification: Uncertain significance. Last evaluated: 2023-08-27. Review status: criteria provided, single submitter. Criteria: Invitae Variant Classification Sherloc (09022015). Collection method: clinical testing. Allele origin: germline.
Comment: In summary, the available evidence is currently insufficient to determine the role of this variant in disease. Therefore, it has been classified as a Variant of Uncertain Significance. Advanced modeling of protein sequence and biophysical properties (such as structural, functional, and spatial information, amino acid conservation, physicochemical variation, residue mobility, and thermodynamic stability) performed at Invitae indicates that this missense variant is not expected to disrupt PDE4D protein function. This variant has not been reported in the literature in individuals affected with PDE4D-related conditions. This variant is not present in population databases (gnomAD no frequency). This sequence change replaces arginine, which is basic and polar, with glutamine, which is neutral and polar, at codon 648 of the PDE4D protein (p.Arg648Gln).

NM_001104631.2(PDE4D):c.1943G>A (p.Arg648Gln)

Gene: PDE4D (phosphodiesterase 4D; minus strand). Cytogenetic location: 5q11.2.
Variant type: single nucleotide variant.
Coding change: c.1943G>A on transcript NM_001104631.2 (MANE Select); coding-DNA position 1943, G replaced by A.
Protein change: p.Arg648Gln; replaces arginine 648 with glutamine.
Molecular consequence: missense variant.
Genome position (GRCh38, 1-based): chr5:58,975,727, C>T on the plus strand (G>A on the coding strand, the complement: PDE4D is on the minus strand). VCF-style: chr5-58975727-C-T. GRCh37 (hg19) VCF-style: chr5-58271554-C-T.
Other names: c.1760G>A, p.Arg587Gln (NM_001165899.2, NM_001364599.1); c.1751G>A, p.Arg584Gln (NM_001197218.2); c.1577G>A, p.Arg526Gln (NM_001197219.2); c.1553G>A, p.Arg518Gln (NM_001197220.2); c.1037G>A, p.Arg346Gln (NM_001197221.2, NM_001364603.1); c.1271G>A, p.Arg424Gln (NM_001197222.2); c.1070G>A, p.Arg357Gln (NM_001197223.2); c.1730G>A, p.Arg577Gln (NM_001349241.2); and 3 more; short protein forms R346Q, R392Q, R424Q, R577Q, R512Q, R648Q, R357Q, R518Q.
Identifiers: ClinVar variation 2882067 (VCV002882067.3), dbSNP rs941039861, ClinGen allele CA118784636.